The following is an entry in ClinVar:

NM_001848.3(COL6A1):c.1761_1764dup (p.Pro589fs)

Gene: COL6A1 (collagen type VI alpha 1 chain; plus strand). Cytogenetic location: 21q22.3.
Variant type: Duplication.
Coding change: c.1761_1764dup on transcript NM_001848.3 (MANE Select); coding-DNA positions 1761 to 1764, 4 bases duplicated (ACCG; older notation c.1761_1764dupACCG).
Protein change: p.Pro589fs; shifts the reading frame from proline 589.
Molecular consequence: frameshift variant.
Genome position (GRCh38, 1-based): chr21:45,999,677-45,999,680, ACCG duplicated; duplicating any 4 consecutive bases within chr21:45,999,676-45,999,680 gives the same sequence; the c. name uses the placement nearest the transcript's 3' end. VCF-style (leftmost placement, unchanged base first): chr21-45999675-G-GGACC. GRCh37 (hg19) VCF-style: chr21-47419589-G-GGACC.
Other names: short protein forms P589fs.
Identifiers: ClinVar variation 817088 (VCV000817088.1), dbSNP rs1603593491, ClinGen allele CA915952724.
Genomic context (GRCh38, chr21:45,999,675, plus strand): 5'-GCTCCTCACCCTCAGAGCTCCTCTACTCCGTTTCTCGGACAGGGACCCCCAGGACACCAA[G>GGACC]GACCGCCTGGGCCGGACGTAAGTGGGGCTCTGTGAACATTGCTGGGGGCGACCACTGTAG-3'

ClinVar aggregate classification (germline): Likely pathogenic (1 of 4 stars; one submission).

Submission:

GeneDx
Classification: Likely pathogenic. Last evaluated: 2018-06-01. Review status: criteria provided, single submitter. Criteria: GeneDx Variant Classification (06012015). Collection method: clinical testing. Allele origin: germline. Affected: yes.
Comment: The c.1761_1764dupACCG variant in the COL6A1 gene has not been reported previously as a pathogenic variant nor as a benign variant, to our knowledge. The c.1761_1764dupACCG variant causes a frameshift starting with codon Proline 589, changes this amino acid to a Threonine residue, and creates a premature Stop codon at position 21 of the new reading frame, denoted p.Pro589ThrfsX21. This variant is predicted to cause loss of normal protein function either through protein truncation or nonsense-mediated mRNA decay. The c.1761_1764dupACCG variant is not observed in large population cohorts (Lek et al., 2016). We interpret c.1761_1764dupACCG as a likely pathogenic variant.